The following is an entry in ClinVar:

ClinVar aggregate classification (germline): Uncertain significance. Review status: criteria provided, multiple submitters, no conflicts (2 of 4 stars). 2 submissions from 2 submitters: Uncertain significance (2). Last evaluated 2024-09-04.

Conditions:
Inborn genetic diseases. Identifiers: MedGen C0950123, MeSH D030342.

gnomAD v4.1: 7 of 1,614,034 alleles (0.00043%); highest among the groups gnomAD compares: Admixed American, 0.0083%; no homozygotes.

Submissions (2):

Ambry Genetics
Classification: Uncertain significance for Inborn genetic diseases. Last evaluated: 2024-09-04. Review status: criteria provided, single submitter. Criteria: Ambry Variant Classification Scheme 2023. Collection method: clinical testing. Allele origin: germline.

Labcorp Genetics (formerly Invitae), Labcorp
Classification: Uncertain significance. Last evaluated: 2022-07-03. Review status: criteria provided, single submitter. Criteria: Invitae Variant Classification Sherloc (09022015). Collection method: clinical testing. Allele origin: germline.
Comment: This sequence change replaces threonine, which is neutral and polar, with asparagine, which is neutral and polar, at codon 161 of the PUS3 protein (p.Thr161Asn). This variant is not present in population databases (gnomAD no frequency). This variant has not been reported in the literature in individuals affected with PUS3-related conditions. Algorithms developed to predict the effect of missense changes on protein structure and function are either unavailable or do not agree on the potential impact of this missense change (SIFT: "Deleterious"; PolyPhen-2: "Benign"; Align-GVGD: "Class C0"). In summary, the available evidence is currently insufficient to determine the role of this variant in disease. Therefore, it has been classified as a Variant of Uncertain Significance.

NM_031307.4(PUS3):c.482C>A (p.Thr161Asn)

Genes: HYLS1 (HYLS1 centriolar and ciliogenesis associated; plus strand), PUS3 (pseudouridine synthase 3; minus strand). Cytogenetic location: 11q24.2.
Variant type: single nucleotide variant.
Coding change: c.482C>A on transcript NM_031307.4 (MANE Select); coding-DNA position 482, C replaced by A.
Protein change: p.Thr161Asn; replaces threonine 161 with asparagine.
Molecular consequence: missense variant. On other transcripts: 5 prime UTR variant (1), intron variant (5).
Genome position (GRCh38, 1-based): chr11:125,895,686, G>T on the plus strand (C>A on the coding strand, the complement: PUS3 is on the minus strand). VCF-style: chr11-125895686-G-T. GRCh37 (hg19) VCF-style: chr11-125765581-G-T.
Other names: c.-143C>A (NM_001271985.2); c.-80-3418G>T (NM_145014.3); c.-25-3658G>T (NM_001134793.2, NM_001377269.1); c.-22-3661G>T (NM_001424364.1, NM_001377270.1); c.482C>A (NM_031307.3); short protein forms T161N.
Identifiers: ClinVar variation 2181625 (VCV002181625.2), dbSNP rs769426762, ClinGen allele CA383199552.